The following is an entry in ClinVar:

NM_014244.5(ADAMTS2):c.2634G>C (p.Lys878Asn)

Gene: ADAMTS2 (ADAM metallopeptidase with thrombospondin type 1 motif 2; minus strand). Cytogenetic location: 5q35.3.
Variant type: single nucleotide variant.
Coding change: c.2634G>C on transcript NM_014244.5 (MANE Select); coding-DNA position 2634, G replaced by C.
Protein change: p.Lys878Asn; replaces lysine 878 with asparagine.
Molecular consequence: missense variant.
Genome position (GRCh38, 1-based): chr5:179,126,114, C>G on the plus strand (G>C on the coding strand, the complement: ADAMTS2 is on the minus strand). VCF-style: chr5-179126114-C-G. GRCh37 (hg19) VCF-style: chr5-178553115-C-G.
Other names: short protein forms K878N.
Identifiers: ClinVar variation 2438861 (VCV002438861.5), dbSNP rs370686613, ClinGen allele CA3595478.

ClinVar aggregate classification (germline): Uncertain significance. Review status: criteria provided, multiple submitters, no conflicts (2 of 4 stars). 3 submissions from 3 submitters: Uncertain significance (3). Last evaluated 2026-01-16.

Conditions:
Ehlers-Danlos syndrome, dermatosparaxis type. Also called: EDS VIIC; Dermatosparaxis; Ehlers-Danlos syndrome, type VII, autosomal recessive. Identifiers: Orphanet 1901, MedGen C2700425, MONDO:0009161, OMIM 225410.

Allele frequency attached by ClinVar (database versions not stated): TOPMed 0.00002; gnomAD 0.00003; ESP Exome Variant Server 0.00008.
gnomAD v4.1: 12 of 1,613,192 alleles (0.00074%); highest among the groups gnomAD compares: African/African-American, 0.0013%; no homozygotes.

Submissions (3):

Women's Health and Genetics/Laboratory Corporation of America, LabCorp
Classification: Uncertain significance. Last evaluated: 2026-01-16. Review status: criteria provided, single submitter. Criteria: LabCorp Variant Classification Summary - May 2015. Collection method: clinical testing. Allele origin: germline.
Comment: Variant summary: ADAMTS2 c.2634G>C (p.Lys878Asn) results in a non-conservative amino acid change in the encoded protein sequence. Algorithms developed to predict the effect of missense changes on protein structure and function are either unavailable or do not agree on the potential impact of this missense change. The variant allele was found at a frequency of 8e-06 in 251082 control chromosomes. The available data on variant occurrences in the general population are insufficient to allow any conclusion about variant significance. To our knowledge, no occurrence of c.2634G>C in individuals affected with ADAMTS2-related conditions and no experimental evidence demonstrating its impact on protein function have been reported. ClinVar contains an entry for this variant (Variation ID: 2438861). Based on the evidence outlined above, the variant was classified as uncertain significance.

Labcorp Genetics (formerly Invitae), Labcorp
Classification: Uncertain significance for Ehlers-Danlos syndrome, dermatosparaxis type. Last evaluated: 2025-03-22. Review status: criteria provided, single submitter. Criteria: Invitae Variant Classification Sherloc (09022015). Collection method: clinical testing. Allele origin: germline.
Comment: This sequence change replaces lysine, which is basic and polar, with asparagine, which is neutral and polar, at codon 878 of the ADAMTS2 protein (p.Lys878Asn). This variant is present in population databases (rs370686613, gnomAD 0.002%). This variant has not been reported in the literature in individuals affected with ADAMTS2-related conditions. ClinVar contains an entry for this variant (Variation ID: 2438861). An algorithm developed to predict the effect of missense changes on protein structure and function (PolyPhen-2) suggests that this variant is likely to be disruptive. In summary, the available evidence is currently insufficient to determine the role of this variant in disease. Therefore, it has been classified as a Variant of Uncertain Significance.

Revvity Omics, Revvity
Classification: Uncertain significance for Ehlers-Danlos syndrome, dermatosparaxis type. Last evaluated: 2019-02-04. Review status: criteria provided, single submitter. Criteria: ACMG Guidelines, 2015. Collection method: clinical testing. Allele origin: germline.